The following is an entry in ClinVar:

NM_001008212.2(OPTN):c.676T>C (p.Phe226Leu)

Gene: OPTN (optineurin; plus strand). Cytogenetic location: 10p13.
Variant type: single nucleotide variant.
Coding change: c.676T>C on transcript NM_001008212.2 (MANE Select); coding-DNA position 676, T replaced by C.
Protein change: p.Phe226Leu; replaces phenylalanine 226 with leucine.
Molecular consequence: missense variant.
Genome position (GRCh38, 1-based): chr10:13,118,937, T>C. VCF-style: chr10-13118937-T-C. GRCh37 (hg19) VCF-style: chr10-13160937-T-C.
Other names: c.676T>C, p.Phe226Leu (NM_001008211.1, NM_001008213.1, NM_021980.4); short protein forms F226L.
Identifiers: ClinVar variation 1408097 (VCV001408097.6), dbSNP rs1189662370, ClinGen allele CA376028439.

ClinVar aggregate classification (germline): Uncertain significance (1 of 4 stars; one submission).

Conditions:
Amyotrophic lateral sclerosis type 12 (ALS12). Also called: AMYOTROPHIC LATERAL SCLEROSIS 12 WITH OR WITHOUT FRONTOTEMPORAL DEMENTIA. Identifiers: Orphanet 803, MedGen C3150692, MONDO:0013264, OMIM 613435.
Primary open angle glaucoma (POAG). Also called: OPTN-related open angle glaucoma. Identifiers: MedGen C0339573, MONDO:0100553, OMIM 137760.
Glaucoma 1, open angle, E. Identifiers: MedGen C1842026, MONDO:0007665.

Allele frequency attached by ClinVar (database versions not stated): TOPMed below 0.00001; gnomAD 0.00001.
gnomAD v4.1: 1 of 1,614,002 alleles (0.000062%); highest among the groups gnomAD compares: Non-Finnish European, 0.000085%; no homozygotes.

Submission:

Labcorp Genetics (formerly Invitae), Labcorp
Classification: Uncertain significance for Primary open angle glaucoma; Glaucoma 1, open angle, E; Amyotrophic lateral sclerosis type 12. Last evaluated: 2025-06-20. Review status: criteria provided, single submitter. Criteria: Invitae Variant Classification Sherloc (09022015). Collection method: clinical testing. Allele origin: germline.
Comment: This sequence change replaces phenylalanine, which is neutral and non-polar, with leucine, which is neutral and non-polar, at codon 226 of the OPTN protein (p.Phe226Leu). This variant is not present in population databases (gnomAD no frequency). This missense change has been observed in individual(s) with clinical features of amyotrophic lateral sclerosis (PMID: 32893042). ClinVar contains an entry for this variant (Variation ID: 1408097). Invitae Evidence Modeling of protein sequence and biophysical properties (such as structural, functional, and spatial information, amino acid conservation, physicochemical variation, residue mobility, and thermodynamic stability) indicates that this missense variant is not expected to disrupt OPTN protein function with a negative predictive value of 80%. In summary, the available evidence is currently insufficient to determine the role of this variant in disease. Therefore, it has been classified as a Variant of Uncertain Significance.

Literature cited by the submitters: PubMed 32893042.